The following is an entry in ClinVar:

NM_001363711.2(DUOX2):c.597_598delinsCA (p.Gly200Arg)

Gene: DUOX2 (dual oxidase 2; minus strand). Cytogenetic location: 15q21.1.
Variant type: Indel.
Coding change: c.597_598delinsCA on transcript NM_001363711.2 (MANE Select); coding-DNA positions 597 to 598, GG replaced by CA.
Protein change: p.Gly200Arg; replaces glycine 200 with arginine.
Molecular consequence: missense variant.
Genome position (GRCh38, 1-based): chr15:45,111,501-45,111,502, CC replaced by TG on the plus strand (GG replaced by CA on the coding strand, the reverse complement: DUOX2 is on the minus strand). VCF-style: chr15-45111501-CC-TG. GRCh37 (hg19) VCF-style: chr15-45403699-CC-TG.
Other names: c.597_598delinsCA, p.Gly200Arg (NM_014080.5); short protein forms G200R.
Identifiers: ClinVar variation 3374973 (VCV003374973.1).

ClinVar aggregate classification (germline): Uncertain significance (1 of 4 stars; one submission).

Submission:

Women's Health and Genetics/Laboratory Corporation of America, LabCorp
Classification: Uncertain significance. Last evaluated: 2024-09-09. Review status: criteria provided, single submitter. Criteria: LabCorp Variant Classification Summary - May 2015. Collection method: clinical testing. Allele origin: germline.
Comment: Variant summary: DUOX2 c.597_598delinsCA (p.Gly200Arg) results in a non-conservative amino acid change located in the Dual oxidase, peroxidase domain (IPR034821) of the encoded protein sequence. Two of four in-silico tools predict a benign effect of the variant on protein function. The variant was absent in 180282 control chromosomes (gnomAD). The available data on variant occurrences in the general population are insufficient to allow any conclusion about variant significance. p.Gly200Arg has been reported in the literature in at least one individual affected with congenital hypothyroidism (Radetti_2022). The report does not provide unequivocal conclusions about association of the variant with Thyroid Dyshormonogenesis 6. To our knowledge, no experimental evidence demonstrating an impact on protein function has been reported. The following publications have been ascertained in the context of this evaluation (PMID: 35060923, 30992063). No submitters have cited clinical-significance assessments for this variant to ClinVar. Based on the evidence outlined above, the variant was classified as uncertain significance.

Literature cited by the submitters: PubMed 35060923; PubMed 30992063.